The following is an entry in ClinVar:

NM_004304.5(ALK):c.433C>A (p.Leu145Met)

Gene: ALK (ALK receptor tyrosine kinase; minus strand). Cytogenetic location: 2p23.1.
Variant type: single nucleotide variant.
Coding change: c.433C>A on transcript NM_004304.5 (MANE Select); coding-DNA position 433, C replaced by A.
Protein change: p.Leu145Met; replaces leucine 145 with methionine.
Molecular consequence: missense variant.
Genome position (GRCh38, 1-based): chr2:29,920,227, G>T on the plus strand (C>A on the coding strand, the complement: ALK is on the minus strand). VCF-style: chr2-29920227-G-T. GRCh37 (hg19) VCF-style: chr2-30143093-G-T.
Other names: short protein forms L145M.
Identifiers: ClinVar variation 3855740 (VCV003855740.1).

ClinVar aggregate classification (germline): Uncertain significance (1 of 4 stars; one submission).

Conditions:
Hereditary cancer-predisposing syndrome. Also called: Hereditary neoplastic syndrome; Neoplastic Syndromes, Hereditary; Tumor predisposition; Hereditary Cancer Syndrome. Identifiers: Orphanet 140162, MedGen C0027672, MeSH D009386, MONDO:0015356.

Submission:

Ambry Genetics
Classification: Uncertain significance for Hereditary cancer-predisposing syndrome. Last evaluated: 2025-02-08. Review status: criteria provided, single submitter. Criteria: Ambry Variant Classification Scheme 2023. Collection method: clinical testing. Allele origin: germline.
Comment: The p.L145M variant (also known as c.433C>A), located in coding exon 1 of the ALK gene, results from a C to A substitution at nucleotide position 433. The leucine at codon 145 is replaced by methionine, an amino acid with highly similar properties. This amino acid position is conserved. In addition, this alteration is predicted to be tolerated by in silico analysis. Based on the available evidence, the clinical significance of this variant remains unclear.